The following is an entry in ClinVar:

NM_020361.5(CPA6):c.1111G>A (p.Ala371Thr)

Genes: ARFGEF1-DT (ARFGEF1 divergent transcript; plus strand), CPA6 (carboxypeptidase A6; minus strand). Cytogenetic location: 8q13.2.
Variant type: single nucleotide variant.
Coding change: c.1111G>A on transcript NM_020361.5 (MANE Select); coding-DNA position 1111, G replaced by A.
Protein change: p.Ala371Thr; replaces alanine 371 with threonine.
Molecular consequence: missense variant.
Genome position (GRCh38, 1-based): chr8:67,428,062, C>T on the plus strand (G>A on the coding strand, the complement: CPA6 is on the minus strand). VCF-style: chr8-67428062-C-T. GRCh37 (hg19) VCF-style: chr8-68340297-C-T.
Other names: c.1111G>A (NM_020361.4); short protein forms A371T.
Identifiers: ClinVar variation 1377539 (VCV001377539.9), dbSNP rs890812699, ClinGen allele CA178409123.
Genomic context (GRCh38, chr8:67,428,062, plus strand): 5'-GGTTCAAGAGAGAGGATTCTAACACAATGTACGCAGGAAACTTACACAACGTTGTGGAGG[C>T]TGGTCCATATCTGTATCGTACCCCGTATACTGACTGAAGTGCATTCACAGCTTTATAAGC-3'
Protein context (NP_065094.3, residues 361-381): VYGVRYRYGP[Ala371Thr]STTLYVSSGS

ClinVar aggregate classification (germline): Uncertain significance. Review status: criteria provided, multiple submitters, no conflicts (2 of 4 stars). 2 submissions from 2 submitters: Uncertain significance (2). Last evaluated 2024-05-20.

Conditions:
Febrile seizures, familial, 11 (FEB11). Also called: CONVULSIONS, FAMILIAL FEBRILE, 11. Identifiers: MedGen C3280734, MONDO:0024566, OMIM 614418.

Allele frequency attached by ClinVar (database versions not stated): gnomAD exomes below 0.00001; gnomAD 0.00001; TOPMed 0.00005.
gnomAD v4.1: 4 of 1,610,428 alleles (0.00025%); highest among the groups gnomAD compares: African/African-American, 0.004%; no homozygotes.

Submissions (2):

Ambry Genetics
Classification: Uncertain significance. Last evaluated: 2024-05-20. Review status: criteria provided, single submitter. Criteria: Ambry Variant Classification Scheme 2023. Collection method: clinical testing. Allele origin: germline.

Labcorp Genetics (formerly Invitae), Labcorp
Classification: Uncertain significance for Febrile seizures, familial, 11. Last evaluated: 2020-11-03. Review status: criteria provided, single submitter. Criteria: Invitae Variant Classification Sherloc (09022015). Collection method: clinical testing. Allele origin: germline.
Comment: This variant is not present in population databases (ExAC no frequency). In summary, the available evidence is currently insufficient to determine the role of this variant in disease. Therefore, it has been classified as a Variant of Uncertain Significance. Algorithms developed to predict the effect of missense changes on protein structure and function are either unavailable or do not agree on the potential impact of this missense change (SIFT: "Tolerated"; PolyPhen-2: "Probably Damaging"; Align-GVGD: "Class C0"). This variant has not been reported in the literature in individuals with CPA6-related conditions. This sequence change replaces alanine with threonine at codon 371 of the CPA6 protein (p.Ala371Thr). The alanine residue is moderately conserved and there is a small physicochemical difference between alanine and threonine.